The following is an entry in ClinVar:

ClinVar aggregate classification (germline): Uncertain significance (1 of 4 stars; one submission).

Submission:

GeneDx
Classification: Uncertain significance. Last evaluated: 2026-02-06. Review status: criteria provided, single submitter. Criteria: GeneDx Variant Classification Process June 2021. Collection method: clinical testing. Allele origin: germline.
Comment: Not observed at significant frequency in large population cohorts (gnomAD); Has not been previously published as pathogenic or benign to our knowledge; In silico analysis suggests this variant may impact gene splicing. In the absence of RNA/functional studies, the actual effect of this sequence change is unknown.

NM_001370100.5(ZMYND11):c.730_753+5dup

Gene: ZMYND11 (zinc finger MYND-type containing 11; plus strand). Cytogenetic location: 10p15.3.
Variant type: Duplication.
Coding change: c.730_753+5dup on transcript NM_001370100.5 (MANE Select); coding-DNA position 730 through 5 bases into the intron after coding-DNA position 753, 29 bases duplicated (CTATATAAAGACACATGTCATGAGGTACT).
Molecular consequence: splice donor variant. On other transcripts: intron variant (2).
Genome position (GRCh38, 1-based): chr10:240,088-240,116, CTATATAAAGACACATGTCATGAGGTACT duplicated. VCF-style (leftmost placement, unchanged base first): chr10-240087-G-GCTATATAAAGACACATGTCATGAGGTACT. GRCh37 (hg19) VCF-style: chr10-286027-G-GCTATATAAAGACACATGTCATGAGGTACT.
Other names: c.679_702+5dup (NM_001330057.3, NM_001370112.2); c.730_753+5dup (NM_001370097.3, NM_001370099.2, NM_001370117.2 and 6 more transcripts); c.727_750+5dup (NM_001370115.2, NM_212479.4); c.568_591+5dup (NM_001370106.2, NM_001370108.2, NM_001370103.2 and 6 more transcripts); c.565_588+5dup (NM_001202466.3, NM_001370111.2); c.448-805_448-777dup (NM_001370122.2); c.475_498+5dup (NM_001202465.3, NM_001370110.2); c.664_687+5dup (NM_001370116.2); and 6 more.
Identifiers: ClinVar variation 3899590 (VCV003899590.2).